The following is an entry in ClinVar:

ClinVar aggregate classification (germline): Uncertain significance (1 of 4 stars; one submission).

Allele frequency attached by ClinVar (database versions not stated): gnomAD exomes below 0.00001; TOPMed 0.00001.
gnomAD v4.1: 1 of 1,590,336 alleles (0.000063%); highest among the groups gnomAD compares: Admixed American, 0.0017%; no homozygotes.

Submission:

Labcorp Genetics (formerly Invitae), Labcorp
Classification: Uncertain significance. Last evaluated: 2022-07-06. Review status: criteria provided, single submitter. Criteria: Invitae Variant Classification Sherloc (09022015). Collection method: clinical testing. Allele origin: germline.
Comment: This sequence change replaces glutamic acid, which is acidic and polar, with valine, which is neutral and non-polar, at codon 295 of the HPS4 protein (p.Glu295Val). This variant is not present in population databases (gnomAD no frequency). This variant has not been reported in the literature in individuals affected with HPS4-related conditions. Algorithms developed to predict the effect of missense changes on protein structure and function are either unavailable or do not agree on the potential impact of this missense change (SIFT: "Deleterious"; PolyPhen-2: "Possibly Damaging"; Align-GVGD: "Class C15"). Algorithms developed to predict the effect of sequence changes on RNA splicing suggest that this variant may create or strengthen a splice site. In summary, the available evidence is currently insufficient to determine the role of this variant in disease. Therefore, it has been classified as a Variant of Uncertain Significance.

NM_022081.6(HPS4):c.884A>T (p.Glu295Val)

Gene: HPS4 (HPS4 biogenesis of lysosomal organelles complex 3 subunit 2; minus strand). Cytogenetic location: 22q12.1.
Variant type: single nucleotide variant.
Coding change: c.884A>T on transcript NM_022081.6 (MANE Select); coding-DNA position 884, A replaced by T.
Protein change: p.Glu295Val; replaces glutamic acid 295 with valine.
Molecular consequence: missense variant. On other transcripts: non-coding transcript variant (8).
Genome position (GRCh38, 1-based): chr22:26,464,746, T>A on the plus strand (A>T on the coding strand, the complement: HPS4 is on the minus strand). VCF-style: chr22-26464746-T-A. GRCh37 (hg19) VCF-style: chr22-26860712-T-A.
Other names: c.884A>T, p.Glu295Val (NM_001349896.1, NM_001349898.2, NM_001349899.2 and 5 more transcripts); c.938A>T, p.Glu313Val (NM_001349900.2, NM_001349901.1); c.869A>T, p.Glu290Val (NM_152841.2); short protein forms E313V, E295V, E290V.
Identifiers: ClinVar variation 1904819 (VCV001904819.2), dbSNP rs2088140488, ClinGen allele CA411028624.